The following is an entry in ClinVar:

NM_017433.5(MYO3A):c.4045G>C (p.Ala1349Pro)

Gene: MYO3A (myosin IIIA; plus strand). Cytogenetic location: 10p12.1.
Variant type: single nucleotide variant.
Coding change: c.4045G>C on transcript NM_017433.5 (MANE Select); coding-DNA position 4045, G replaced by C.
Protein change: p.Ala1349Pro; replaces alanine 1349 with proline.
Molecular consequence: missense variant.
Genome position (GRCh38, 1-based): chr10:26,174,309, G>C. VCF-style: chr10-26174309-G-C. GRCh37 (hg19) VCF-style: chr10-26463238-G-C.
Other names: short protein forms A1349P.
Identifiers: ClinVar variation 45812 (VCV000045812.18), dbSNP rs149521185, ClinGen allele CA137085.

ClinVar aggregate classification (germline): Conflicting classifications of pathogenicity. Review status: criteria provided, conflicting classifications (1 of 4 stars). 4 submissions from 4 submitters: Uncertain significance (3); Likely benign (1). Last evaluated 2025-12-01.

Conditions:
Inborn genetic diseases. Identifiers: MedGen C0950123, MeSH D030342.

Allele frequency attached by ClinVar (database versions not stated): ExAC 0.00006; gnomAD exomes 0.00006; gnomAD 0.00023 and 0.00026; ESP Exome Variant Server 0.00038; TOPMed 0.00039.
gnomAD v4.1: 80 of 1,613,996 alleles (0.005%); highest among the groups gnomAD compares: African/African-American, 0.1%; no homozygotes.

Submissions (4):

Labcorp Genetics (formerly Invitae), Labcorp
Classification: Uncertain significance. Last evaluated: 2025-12-01. Review status: criteria provided, single submitter. Criteria: Invitae Variant Classification Sherloc (09022015). Collection method: clinical testing. Allele origin: germline.
Comment: This sequence change replaces alanine, which is neutral and non-polar, with proline, which is neutral and non-polar, at codon 1349 of the MYO3A protein (p.Ala1349Pro). This variant is present in population databases (rs149521185, gnomAD 0.08%). This variant has not been reported in the literature in individuals affected with MYO3A-related conditions. ClinVar contains an entry for this variant (Variation ID: 45812). Invitae Evidence Modeling of protein sequence and biophysical properties (such as structural, functional, and spatial information, amino acid conservation, physicochemical variation, residue mobility, and thermodynamic stability) indicates that this missense variant is not expected to disrupt MYO3A protein function with a negative predictive value of 80%. In summary, the available evidence is currently insufficient to determine the role of this variant in disease. Therefore, it has been classified as a Variant of Uncertain Significance.

GeneDx
Classification: Uncertain significance. Last evaluated: 2025-05-20. Review status: criteria provided, single submitter. Criteria: GeneDx Variant Classification Process June 2021. Collection method: clinical testing. Allele origin: germline. Affected: yes.
Comment: In silico analysis suggests that this missense variant does not alter protein structure/function; Has not been previously published as pathogenic or benign to our knowledge

Ambry Genetics
Classification: Uncertain significance for Inborn genetic diseases. Last evaluated: 2025-04-03. Review status: criteria provided, single submitter. Criteria: Ambry Variant Classification Scheme 2023. Collection method: clinical testing. Allele origin: germline.

Laboratory for Molecular Medicine, Mass General Brigham Personalized Medicine
Classification: Likely benign. Last evaluated: 2013-02-19. Review status: criteria provided, single submitter. Criteria: LMM Criteria. Collection method: clinical testing. Allele origin: germline. Observed: 1 variant allele.
Comment: Ala1349Pro in exon 30 of MYO3A: This variant is not expected to have clinical si gnificance because it is has been identified in 0.1% (5/4406) of African America n chromosomes from a broad population by the NHLBI Exome sequencing project (dbSNP rs149521185).